The following is an entry in ClinVar:

ClinVar aggregate classification (germline): Likely benign (1 of 4 stars; one submission).

Conditions:
Monogenic diabetes. Identifiers: Orphanet 183625, MedGen C3888631, MONDO:0015967.

Allele frequency attached by ClinVar (database versions not stated): gnomAD exomes 0.00012 and 0.00026; 1000 Genomes Project 0.00040; ESP Exome Variant Server 0.00046; ExAC 0.00054; 1000 Genomes Project 30x 0.00062; gnomAD 0.00068 and 0.00073; TOPMed 0.00080.

Submission:

Personalized Diabetes Medicine Program, University of Maryland School of Medicine
Classification: Likely benign for Monogenic diabetes. Last evaluated: 2018-01-26. Review status: criteria provided, single submitter. Criteria: ACMG Guidelines, 2015. Collection method: research. Allele origin: unknown. Observed: 1 variant allele, 1 heterozygote.
Comment: ACMG criteria: PP3 (3 predictors), BP4 (7 predictors), BS2 (57 hets in gnomAD for dominant condition)=likely benign

NM_002666.5(PLIN1):c.838C>T (p.Arg280Trp)

Gene: PLIN1 (perilipin 1; minus strand). Cytogenetic location: 15q26.1.
Variant type: single nucleotide variant.
Coding change: c.838C>T on transcript NM_002666.5 (MANE Select); coding-DNA position 838, C replaced by T.
Protein change: p.Arg280Trp; replaces arginine 280 with tryptophan.
Molecular consequence: missense variant.
Genome position (GRCh38, 1-based): chr15:89,667,727, G>A on the plus strand (C>T on the coding strand, the complement: PLIN1 is on the minus strand). VCF-style: chr15-89667727-G-A. GRCh37 (hg19) VCF-style: chr15-90210958-G-A.
Other names: c.838C>T, p.Arg280Trp (NM_001145311.2); short protein forms R280W.
Identifiers: ClinVar variation 917445 (VCV000917445.2), dbSNP rs146721183, ClinGen allele CA7728919.